The following is an entry in ClinVar:

ClinVar aggregate classification (germline): Uncertain significance (1 of 4 stars; one submission).

Submission:

Women's Health and Genetics/Laboratory Corporation of America, LabCorp
Classification: Uncertain significance. Last evaluated: 2026-04-10. Review status: criteria provided, single submitter. Criteria: LabCorp Variant Classification Summary - May 2015. Collection method: clinical testing. Allele origin: germline.
Comment: Variant summary: ARFGEF1 c.1203+14G>T alters a nucleotide located at a position not widely known to affect splicing. Several computational tools predict a significant impact on normal splicing: Three predict the variant creates a cryptic 5' donor site. However, these predictions have yet to be confirmed by functional studies. The variant was absent in 249596 control chromosomes. The available data on variant occurrences in the general population are insufficient to allow any conclusion about variant significance. To our knowledge, no occurrence of c.1203+14G>T in individuals affected with ARFGEF1-related conditions and no experimental evidence demonstrating its impact on protein function have been reported. No submitters have cited clinical-significance assessments for this variant to ClinVar. Based on the evidence outlined above, the variant was classified as uncertain significance.

NM_006421.5(ARFGEF1):c.1203+14G>T

Gene: ARFGEF1 (ARF guanine nucleotide exchange factor 1; minus strand). Cytogenetic location: 8q13.2.
Variant type: single nucleotide variant.
Coding change: c.1203+14G>T on transcript NM_006421.5 (MANE Select); 14 bases into the intron after coding-DNA position 1203, G replaced by T.
Molecular consequence: intron variant.
Genome position (GRCh38, 1-based): chr8:67,277,268, C>A on the plus strand (G>T on the coding strand, the complement: ARFGEF1 is on the minus strand). VCF-style: chr8-67277268-C-A. GRCh37 (hg19) VCF-style: chr8-68189503-C-A.
Other names: c.1203+14G>T (NM_001413186.1, NM_001413187.1, NM_001413185.1 and 7 more transcripts); c.603+14G>T (NM_001413188.1, NM_001413197.1, NM_001413193.1); c.-88-5332G>T (NM_001413196.1).
Identifiers: ClinVar variation 4848699 (VCV004848699.1).
Genomic context (GRCh38, chr8:67,277,268, plus strand): 5'-TGACAAGGTGGTGGTAGCCTATAAATTTGTAAGATTAACAGGATTTCTCCCCCTCCCCAC[C>A]CCTCCATTTATACCTGAGTATCATTGGAAGAGACTGACAATCTATCATCAGGTAAGGATG-3'